The following is an entry in ClinVar:

NM_021615.5(CHST6):c.976G>T (p.Ala326Ser)

Gene: CHST6 (carbohydrate sulfotransferase 6; minus strand). Cytogenetic location: 16q23.1.
Variant type: single nucleotide variant.
Coding change: c.976G>T on transcript NM_021615.5 (MANE Select); coding-DNA position 976, G replaced by T.
Protein change: p.Ala326Ser; replaces alanine 326 with serine.
Molecular consequence: missense variant.
Genome position (GRCh38, 1-based): chr16:75,478,853, C>A on the plus strand (G>T on the coding strand, the complement: CHST6 is on the minus strand). VCF-style: chr16-75478853-C-A. GRCh37 (hg19) VCF-style: chr16-75512751-C-A.
Other names: short protein forms A326S.
Identifiers: ClinVar variation 287058 (VCV000287058.10), dbSNP rs201349198, ClinGen allele CA8175337.

ClinVar aggregate classification (germline): Uncertain significance. Review status: criteria provided, multiple submitters, no conflicts (2 of 4 stars). 2 submissions from 2 submitters: Uncertain significance (2). Last evaluated 2023-05-08.

Conditions:
Macular corneal dystrophy (MCD). Also called: Macular corneal dystrophy Type I; GROENOUW TYPE II CORNEAL DYSTROPHY. Identifiers: Orphanet 98969, MedGen C1636149, MONDO:0009020, OMIM 217800.

Allele frequency attached by ClinVar (database versions not stated): ESP Exome Variant Server 0.00015; 1000 Genomes Project 30x 0.00016; ExAC 0.00017; gnomAD exomes 0.00018 and 0.00041; 1000 Genomes Project 0.00020; TOPMed 0.00026; gnomAD 0.00027 and 0.00028.
gnomAD v4.1: 628 of 1,613,492 alleles (0.039%); highest among the groups gnomAD compares: Non-Finnish European, 0.052%; 1 homozygote.

Submissions (2):

Labcorp Genetics (formerly Invitae), Labcorp
Classification: Uncertain significance for Macular corneal dystrophy. Last evaluated: 2023-05-08. Review status: criteria provided, single submitter. Criteria: Invitae Variant Classification Sherloc (09022015). Collection method: clinical testing. Allele origin: germline.
Comment: In summary, the available evidence is currently insufficient to determine the role of this variant in disease. Therefore, it has been classified as a Variant of Uncertain Significance. Advanced modeling of protein sequence and biophysical properties (such as structural, functional, and spatial information, amino acid conservation, physicochemical variation, residue mobility, and thermodynamic stability) performed at Invitae indicates that this missense variant is not expected to disrupt CHST6 protein function. ClinVar contains an entry for this variant (Variation ID: 287058). This variant has not been reported in the literature in individuals affected with CHST6-related conditions. This variant is present in population databases (rs201349198, gnomAD 0.04%). This sequence change replaces alanine, which is neutral and non-polar, with serine, which is neutral and polar, at codon 326 of the CHST6 protein (p.Ala326Ser).

Eurofins Ntd Llc (ga)
Classification: Uncertain significance. Last evaluated: 2016-03-24. Review status: criteria provided, single submitter. Criteria: EGL Classification Definitions 2015. Collection method: clinical testing. Allele origin: germline. Observed: 1 variant allele, 1 heterozygote.